The following is an entry in ClinVar:

NM_012213.3(MLYCD):c.1351A>G (p.Met451Val)

Gene: MLYCD (malonyl-CoA decarboxylase; plus strand). Cytogenetic location: 16q23.3.
Variant type: single nucleotide variant.
Coding change: c.1351A>G on transcript NM_012213.3 (MANE Select); coding-DNA position 1351, A replaced by G.
Protein change: p.Met451Val; replaces methionine 451 with valine.
Molecular consequence: missense variant.
Genome position (GRCh38, 1-based): chr16:83,915,358, A>G. VCF-style: chr16-83915358-A-G. GRCh37 (hg19) VCF-style: chr16-83948963-A-G.
Other names: short protein forms M451V.
Identifiers: ClinVar variation 582754 (VCV000582754.6), dbSNP rs1567637203, ClinGen allele CA396920541.

ClinVar aggregate classification (germline): Uncertain significance (1 of 4 stars; one submission).

Conditions:
Deficiency of malonyl-CoA decarboxylase. Also called: Malonic aciduria; MCD deficiency. Identifiers: Orphanet 943, MedGen C0342793, MONDO:0009556, OMIM 248360.

Submission:

Labcorp Genetics (formerly Invitae), Labcorp
Classification: Uncertain significance for Deficiency of malonyl-CoA decarboxylase. Last evaluated: 2021-08-31. Review status: criteria provided, single submitter. Criteria: Invitae Variant Classification Sherloc (09022015). Collection method: clinical testing. Allele origin: germline.
Comment: This sequence change replaces methionine with valine at codon 451 of the MLYCD protein (p.Met451Val). The methionine residue is highly conserved and there is a small physicochemical difference between methionine and valine. This variant is not present in population databases (ExAC no frequency). This variant has not been reported in the literature in individuals affected with MLYCD-related conditions. Algorithms developed to predict the effect of missense changes on protein structure and function are either unavailable or do not agree on the potential impact of this missense change (SIFT: "Deleterious"; PolyPhen-2: "Probably Damaging"; Align-GVGD: "Class C15"). In summary, the available evidence is currently insufficient to determine the role of this variant in disease. Therefore, it has been classified as a Variant of Uncertain Significance.